The following is an entry in ClinVar:

NM_004380.3(CREBBP):c.5758G>T (p.Gly1920Cys)

Gene: CREBBP (CREB binding protein; minus strand). Cytogenetic location: 16p13.3.
Variant type: single nucleotide variant.
Coding change: c.5758G>T on transcript NM_004380.3 (MANE Select); coding-DNA position 5758, G replaced by T.
Protein change: p.Gly1920Cys; replaces glycine 1920 with cysteine.
Molecular consequence: missense variant.
Genome position (GRCh38, 1-based): chr16:3,729,289, C>A on the plus strand (G>T on the coding strand, the complement: CREBBP is on the minus strand). VCF-style: chr16-3729289-C-A. GRCh37 (hg19) VCF-style: chr16-3779290-C-A.
Other names: c.5644G>T, p.Gly1882Cys (NM_001079846.1); short protein forms G1882C, G1920C.
Identifiers: ClinVar variation 3371499 (VCV003371499.1).
Genomic context (GRCh38, chr16:3,729,289, plus strand): 5'-TGGTAGGCTTCCCTGTGGACACCGTGGTGGGGGGCTGAGTCCGGGCCACGCTGGGGAAGC[C>A]AGCTGGTGACATGCTCACGGGTGAGGGTTGGGGCTGGGCAGGGGGCTGCGGCGTCTGGGG-3'
Protein context (NP_004371.2, residues 1910-1930): QPSPVSMSPA[Gly1920Cys]FPSVARTQPP

ClinVar aggregate classification (germline): Uncertain significance (1 of 4 stars; one submission).

Submission:

GeneDx
Classification: Uncertain significance. Last evaluated: 2024-03-26. Review status: criteria provided, single submitter. Criteria: GeneDx Variant Classification Process June 2021. Collection method: clinical testing. Allele origin: germline. Affected: yes.
Comment: Not observed at significant frequency in large population cohorts (gnomAD); In silico analysis supports that this missense variant has a deleterious effect on protein structure/function; Has not been previously published as pathogenic or benign to our knowledge